The following is an entry in ClinVar:

ClinVar aggregate classification (germline): Uncertain significance. Review status: criteria provided, multiple submitters, no conflicts (2 of 4 stars). 2 submissions from 2 submitters: Uncertain significance (2). Last evaluated 2022-03-02.

Conditions:
Familial cancer of breast. Also called: Hereditary breast cancer; hereditary breast carcinoma; BREAST CANCER, FAMILIAL. Identifiers: Orphanet 227535, MedGen C0346153, MONDO:0016419, OMIM 114480. Disease mechanism: loss of function.
Fanconi anemia complementation group J. Also called: BRIP1-Related Fanconi Anemia. Identifiers: Orphanet 84, MedGen C1836860, MONDO:0012187, OMIM 609054.
Hereditary cancer-predisposing syndrome. Also called: Hereditary Cancer Syndrome; Neoplastic Syndromes, Hereditary; Hereditary neoplastic syndrome; Tumor predisposition. Identifiers: Orphanet 140162, MedGen C0027672, MeSH D009386, MONDO:0015356.

Allele frequency attached by ClinVar (database versions not stated): gnomAD exomes below 0.00001.
gnomAD v4.1: 2 of 1,614,170 alleles (0.00012%); highest among the groups gnomAD compares: East Asian, 0.0022%; no homozygotes.

Submissions (2):

Labcorp Genetics (formerly Invitae), Labcorp
Classification: Uncertain significance for Familial cancer of breast; Fanconi anemia complementation group J. Last evaluated: 2022-03-02. Review status: criteria provided, single submitter. Criteria: Invitae Variant Classification Sherloc (09022015). Collection method: clinical testing. Allele origin: germline.
Comment: This variant is present in population databases (no rsID available, gnomAD 0.006%). This sequence change replaces threonine, which is neutral and polar, with arginine, which is basic and polar, at codon 1059 of the BRIP1 protein (p.Thr1059Arg). This variant has not been reported in the literature in individuals affected with BRIP1-related conditions. In summary, the available evidence is currently insufficient to determine the role of this variant in disease. Therefore, it has been classified as a Variant of Uncertain Significance. Algorithms developed to predict the effect of missense changes on protein structure and function output the following: SIFT: "Tolerated"; PolyPhen-2: "Benign"; Align-GVGD: "Class C0". The arginine amino acid residue is found in multiple mammalian species, which suggests that this missense change does not adversely affect protein function. ClinVar contains an entry for this variant (Variation ID: 823081).

Ambry Genetics
Classification: Uncertain significance for Hereditary cancer-predisposing syndrome. Last evaluated: 2018-05-17. Review status: criteria provided, single submitter. Criteria: Ambry Variant Classification Scheme 2023. Collection method: clinical testing. Allele origin: germline.
Comment: The p.T1059R variant (also known as c.3176C>G), located in coding exon 19 of the BRIP1 gene, results from a C to G substitution at nucleotide position 3176. The threonine at codon 1059 is replaced by arginine, an amino acid with similar properties. This amino acid position is not well conserved in available vertebrate species. In addition, this alteration is predicted to be tolerated by in silico analysis. Since supporting evidence is limited at this time, the clinical significance of this alteration remains unclear.

NM_032043.3(BRIP1):c.3176C>G (p.Thr1059Arg)

Gene: BRIP1 (BRCA1 interacting DNA helicase 1; minus strand). Cytogenetic location: 17q23.2.
Variant type: single nucleotide variant.
Coding change: c.3176C>G on transcript NM_032043.3 (MANE Select); coding-DNA position 3176, C replaced by G.
Protein change: p.Thr1059Arg; replaces threonine 1059 with arginine.
Molecular consequence: missense variant.
Genome position (GRCh38, 1-based): chr17:61,683,870, G>C on the plus strand (C>G on the coding strand, the complement: BRIP1 is on the minus strand). VCF-style: chr17-61683870-G-C. GRCh37 (hg19) VCF-style: chr17-59761231-G-C.
Other names: short protein forms T1059R.
Identifiers: ClinVar variation 823081 (VCV000823081.13), dbSNP rs1400975728, ClinGen allele CA400479431.